The following is an entry in ClinVar:

NM_014975.3(MAST1):c.1366+2874T>C

Gene: MAST1 (microtubule associated serine/threonine kinase 1; plus strand). Cytogenetic location: 19p13.13.
Variant type: single nucleotide variant.
Coding change: c.1366+2874T>C on transcript NM_014975.3 (MANE Select); 2874 bases into the intron after coding-DNA position 1366, T replaced by C.
Molecular consequence: intron variant.
Genome position (GRCh38, 1-based): chr19:12,861,613, T>C. VCF-style: chr19-12861613-T-C. GRCh37 (hg19) VCF-style: chr19-12972427-T-C.
Identifiers: ClinVar variation 2649349 (VCV002649349.24), dbSNP rs999158410, ClinGen allele CA305489748.

ClinVar aggregate classification (germline): Benign (1 of 4 stars; one submission).

Allele frequency attached by ClinVar (database versions not stated): gnomAD 0.00025; TOPMed 0.00028.
gnomAD v4.1: 37 of 152,296 alleles (0.024%); highest among the groups gnomAD compares: South Asian, 0.12%; 1 homozygote.

Submission:

CeGaT Center for Human Genetics Tuebingen
Classification: Benign. Last evaluated: 2022-05-01. Review status: criteria provided, single submitter. Criteria: CeGaT Center For Human Genetics Tuebingen Variant Classification Criteria Version 2. Collection method: clinical testing. Allele origin: germline. Affected: yes. Observed: 1 variant allele.
Comment: MAST1: BS1, BS2